The following is an entry in ClinVar:

NM_152558.5(IQCE):c.1843C>T (p.His615Tyr)

Gene: IQCE (IQ motif containing E; plus strand). Cytogenetic location: 7p22.3.
Variant type: single nucleotide variant.
Coding change: c.1843C>T on transcript NM_152558.5 (MANE Select); coding-DNA position 1843, C replaced by T.
Protein change: p.His615Tyr; replaces histidine 615 with tyrosine.
Molecular consequence: missense variant.
Genome position (GRCh38, 1-based): chr7:2,605,975, C>T. VCF-style: chr7-2605975-C-T. GRCh37 (hg19) VCF-style: chr7-2645609-C-T.
Other names: c.1843C>T, p.His615Tyr (NM_001287499.2); c.1795C>T, p.His599Tyr (NM_001287500.2); c.1648C>T, p.His550Tyr (NM_001287501.2, NM_001287502.2); short protein forms H550Y, H599Y, H615Y.
Identifiers: ClinVar variation 977081 (VCV000977081.1), dbSNP rs779545718, ClinGen allele CA4129501.

ClinVar aggregate classification (germline): Uncertain significance (1 of 4 stars; one submission).

Conditions:
Polydactyly, postaxial, type a7. Identifiers: MedGen C4539976, MONDO:0060550, OMIM 617642.

Allele frequency attached by ClinVar (database versions not stated): gnomAD exomes below 0.00001; ExAC 0.00001; gnomAD 0.00001.
gnomAD v4.1: 5 of 1,609,548 alleles (0.00031%); highest among the groups gnomAD compares: Non-Finnish European, 0.00017%; no homozygotes.

Submission:

Johns Hopkins Genomics, Johns Hopkins University
Classification: Uncertain significance for Polydactyly, postaxial, type a7. Last evaluated: 2020-07-24. Review status: criteria provided, single submitter. Criteria: ACMG Guidelines, 2015. Collection method: clinical testing. Allele origin: germline.
Comment: This IQCE variant (rs779545718) is rare (<0.1%) in a large population dataset (gnomAD: 1/242418 total alleles; 0.0004%; no homozygotes) and has not been reported in ClinVar nor the literature to our knowledge. Of three bioinformatics tools queried, two predict that this substitution would be tolerated, while one predicts that it would be damaging. The histidine residue at this position is conserved across most species accessed but at least five mammalian species have a tyrosine at this position. This variant is not predicted to affect normal exon 20 splicing, although this has not been confirmed experimentally to our knowledge. This variant alone is not expected to cause PAPA7. Due to insufficient evidence, we consider the clinical significance of c.1843C>T to be uncertain at this time.

Literature cited by the submitters: PubMed 28488682; PubMed 31549751.